The following is an entry in ClinVar:

NM_006005.3(WFS1):c.686T>C (p.Met229Thr)

Gene: WFS1 (wolframin ER transmembrane glycoprotein; plus strand). Cytogenetic location: 4p16.1.
Variant type: single nucleotide variant.
Coding change: c.686T>C on transcript NM_006005.3 (MANE Select); coding-DNA position 686, T replaced by C.
Protein change: p.Met229Thr; replaces methionine 229 with threonine.
Molecular consequence: missense variant.
Genome position (GRCh38, 1-based): chr4:6,291,971, T>C. VCF-style: chr4-6291971-T-C. GRCh37 (hg19) VCF-style: chr4-6293698-T-C.
Other names: c.686T>C, p.Met229Thr (NM_001145853.1); short protein forms M229T.
Identifiers: ClinVar variation 1439615 (VCV001439615.8), dbSNP rs774525063, ClinGen allele CA2838993.

ClinVar aggregate classification (germline): Uncertain significance. Review status: criteria provided, multiple submitters, no conflicts (2 of 4 stars). 3 submissions from 3 submitters: Uncertain significance (3). Last evaluated 2024-03-11.

Conditions:
Autosomal dominant nonsyndromic hearing loss 6 (LFSNHL). Also called: DEAFNESS, AUTOSOMAL DOMINANT 14; DEAFNESS, AUTOSOMAL DOMINANT 38; DEAFNESS, AUTOSOMAL DOMINANT 6; Autosomal dominant nonsyndromic deafness 6. Identifiers: Orphanet 90635, MedGen C1833021, MONDO:0010963, OMIM 600965.
Type 2 diabetes mellitus. Also called: Type II diabetes mellitus. Identifiers: MedGen C0011860, MeSH D003924, MONDO:0005148, OMIM 125853, HP:0005978.
Cataract 41 (CTRCT41). Also called: CATARACT 41, CONGENITAL NUCLEAR TYPE. Identifiers: Orphanet 91492, Orphanet 98991, Orphanet 98992, Orphanet 98995, MedGen C3805412, MONDO:0007287, OMIM 116400.
Wolfram syndrome 1 (WFS1). Identifiers: Orphanet 3463, MedGen C4551693, MONDO:0009101, OMIM 222300.
Wolfram-like syndrome. Also called: HEARING LOSS, PROGRESSIVE, WITH OPTIC ATROPHY AND/OR IMPAIRED GLUCOSE REGULATION. Identifiers: Orphanet 411590, MedGen C3280358, MONDO:0013673, OMIM 614296.

Allele frequency attached by ClinVar (database versions not stated): gnomAD 0.00001; TOPMed 0.00001; gnomAD exomes 0.00002; ExAC 0.00004.
gnomAD v4.1: 35 of 1,609,264 alleles (0.0022%); highest among the groups gnomAD compares: Admixed American, 0.0084%; no homozygotes.

Submissions (3):

Labcorp Genetics (formerly Invitae), Labcorp
Classification: Uncertain significance. Last evaluated: 2024-03-11. Review status: criteria provided, single submitter. Criteria: Invitae Variant Classification Sherloc (09022015). Collection method: clinical testing. Allele origin: germline.
Comment: This sequence change replaces methionine, which is neutral and non-polar, with threonine, which is neutral and polar, at codon 229 of the WFS1 protein (p.Met229Thr). This variant is present in population databases (rs774525063, gnomAD 0.009%). This missense change has been observed in individual(s) with diabetes (PMID: 30663027). ClinVar contains an entry for this variant (Variation ID: 1439615). Advanced modeling of protein sequence and biophysical properties (such as structural, functional, and spatial information, amino acid conservation, physicochemical variation, residue mobility, and thermodynamic stability) performed at Invitae indicates that this missense variant is not expected to disrupt WFS1 protein function with a negative predictive value of 95%. In summary, the available evidence is currently insufficient to determine the role of this variant in disease. Therefore, it has been classified as a Variant of Uncertain Significance.

GeneDx
Classification: Uncertain significance. Last evaluated: 2023-10-03. Review status: criteria provided, single submitter. Criteria: GeneDx Variant Classification Process June 2021. Collection method: clinical testing. Allele origin: germline. Affected: yes.
Comment: Reported in a patient with pre-gestational diabetes in published literature (PMID: 30663027); In silico analysis supports that this missense variant does not alter protein structure/function; This variant is associated with the following publications: (PMID: 30663027)

Fulgent Genetics
Classification: Uncertain significance for Cataract 41; Type 2 diabetes mellitus; Wolfram syndrome 1; Autosomal dominant nonsyndromic hearing loss 6; Wolfram-like syndrome. Last evaluated: 2022-02-24. Review status: criteria provided, single submitter. Criteria: ACMG Guidelines, 2015. Collection method: clinical testing. Allele origin: unknown.

Literature cited by the submitters: PubMed 30663027 (cited by Labcorp Genetics (formerly Invitae), Labcorp).